The following is an entry in ClinVar:

ClinVar aggregate classification (germline): Uncertain significance. Review status: criteria provided, multiple submitters, no conflicts (2 of 4 stars). 2 submissions from 2 submitters: Uncertain significance (2). Last evaluated 2024-03-15.

Conditions:
Inborn genetic diseases. Identifiers: MedGen C0950123, MeSH D030342.
Thrombocythemia 3 (THCYT3). Also called: THROMBOCYTOSIS 3; THROMBOCYTHEMIA 3, SOMATIC. Identifiers: MedGen C3281125, MONDO:0013794, OMIM 614521.

Allele frequency attached by ClinVar (database versions not stated): TOPMed below 0.00001.
gnomAD v4.1: 11 of 1,490,610 alleles (0.00074%); highest among the groups gnomAD compares: Non-Finnish European, 0.00098%; no homozygotes.

Submissions (2):

Ambry Genetics
Classification: Uncertain significance for Inborn genetic diseases. Last evaluated: 2024-03-15. Review status: criteria provided, single submitter. Criteria: Ambry Variant Classification Scheme 2023. Collection method: clinical testing. Allele origin: germline.

St. Jude Molecular Pathology, St. Jude Children's Research Hospital
Classification: Uncertain significance for Thrombocythemia 3. Last evaluated: 2023-11-13. Review status: criteria provided, single submitter. Criteria: St. Jude Assertion Criteria 2020. Collection method: clinical testing. Allele origin: germline.
Comment: The JAK2 c.2755A>T (p.Ser919Cys) missense change has a maximum subpopulation frequency of 0.0024% in gnomAD v2.1.1. The in silico tool REVEL predicts a deleterious effect on protein function, but to our knowledge this prediction has not been confirmed by functional studies. To our knowledge, this variant has not been reported in individuals with JAK2-associated thrombocythemia. In summary, the evidence currently available is insufficient to determine the clinical significance of this variant. It has therefore been classified as of uncertain significance.

NM_004972.4(JAK2):c.2755A>T (p.Ser919Cys)

Genes: INSL6 (insulin like 6; minus strand), JAK2 (Janus kinase 2; plus strand). Cytogenetic location: 9p24.1.
Variant type: single nucleotide variant.
Coding change: c.2755A>T on transcript NM_004972.4 (MANE Select); coding-DNA position 2755, A replaced by T.
Protein change: p.Ser919Cys; replaces serine 919 with cysteine.
Molecular consequence: missense variant. On other transcripts: non-coding transcript variant (2).
Genome position (GRCh38, 1-based): chr9:5,089,857, A>T. VCF-style: chr9-5089857-A-T. GRCh37 (hg19) VCF-style: chr9-5089857-A-T.
Other names: c.2755A>T, p.Ser919Cys (NM_001322194.2, NM_001322195.2, NM_001322196.2); c.1540A>T, p.Ser514Cys (NM_001322198.2, NM_001322199.2); c.2308A>T, p.Ser770Cys (NM_001322204.2); short protein forms S514C, S770C, S919C.
Identifiers: ClinVar variation 2663979 (VCV002663979.2), dbSNP rs773078489, ClinGen allele CA4972230.
Genomic context (GRCh38, chr9:5,089,857, plus strand): 5'-ATTGAAATCCTGAAATCCCTACAGCATGACAACATTGTAAAGTACAAGGGAGTGTGCTAC[A>T]GTGCTGGTAAGCTGCCCATTGAAACCTATTTTAAATTCAAGGTATGTGTTTGGCATCCTG-3'
Protein context (NP_004963.1, residues 909-929): NIVKYKGVCY[Ser919Cys]AGRRNLKLIM